The following is an entry in ClinVar:

NM_024678.6(NARS2):c.595-6T>G

Gene: NARS2 (asparaginyl-tRNA synthetase 2, mitochondrial; minus strand). Cytogenetic location: 11q14.1.
Variant type: single nucleotide variant.
Coding change: c.595-6T>G on transcript NM_024678.6 (MANE Select); 6 bases into the intron before coding-DNA position 595, T replaced by G.
Molecular consequence: intron variant.
Genome position (GRCh38, 1-based): chr11:78,528,942, A>C on the plus strand (T>G on the coding strand, the complement: NARS2 is on the minus strand). VCF-style: chr11-78528942-A-C. GRCh37 (hg19) VCF-style: chr11-78239988-A-C.
Other names: c.-87-6T>G (NM_001243251.2).
Identifiers: ClinVar variation 440990 (VCV000440990.7), dbSNP rs774848576, ClinGen allele CA6205780.
Genomic context (GRCh38, chr11:78,528,942, plus strand): 5'-AGAAAGCAGGAACATTGAAGAAATTCTCCTCAGGTACCTTAAGTTTGCCTGAAGGCTGCA[A>C]ATCAAAAACATAAGCCACAAAAAACTATTAAATGTTTTGCTTTGCATTTCACATTCATAT-3'

ClinVar aggregate classification (germline): Likely benign. Review status: criteria provided, single submitter (1 of 4 stars). 2 submissions from 2 submitters: Likely benign (1). 1 of the submissions does not count toward it. Last evaluated 2022-08-12.

Conditions:
NARS2-related disorder. Also called: NARS2-related condition.
Combined oxidative phosphorylation defect type 24. Also called: Combined oxidative phosphorylation deficiency 24. Identifiers: Orphanet 444458, MedGen C4015643, MONDO:0014547, OMIM 616239.

Allele frequency attached by ClinVar (database versions not stated): gnomAD exomes 0.00001 and 0.00002; ExAC 0.00002; TOPMed 0.00002; gnomAD 0.00003.
gnomAD v4.1: 21 of 1,583,918 alleles (0.0013%); highest among the groups gnomAD compares: Admixed American, 0.012%; no homozygotes.

Submissions (2):

Labcorp Genetics (formerly Invitae), Labcorp
Classification: Likely benign. Last evaluated: 2022-08-12. Review status: criteria provided, single submitter. Criteria: Invitae Variant Classification Sherloc (09022015). Collection method: clinical testing. Allele origin: germline.

PreventionGenetics, part of Exact Sciences
Classification: Likely benign for NARS2-related condition. Last evaluated: 2024-05-13. Review status: no assertion criteria provided. Collection method: clinical testing. Allele origin: germline. Not counted in ClinVar's aggregate classification.
Comment: This variant is classified as likely benign based on ACMG/AMP sequence variant interpretation guidelines (Richards et al. 2015 PMID: 25741868, with internal and published modifications).